The following is an entry in ClinVar:

ClinVar aggregate classification (germline): Uncertain significance (1 of 4 stars; one submission).

Conditions:
Hereditary sensory and autonomic neuropathy type 7. Also called: HSAN VII; Neuropathy, hereditary sensory and autonomic, type VII. Identifiers: Orphanet 391397, MedGen C3809882, MONDO:0014244, OMIM 615548.

gnomAD v4.1: 1 of 1,613,944 alleles (0.000062%); highest among the groups gnomAD compares: Admixed American, 0.0017%; no homozygotes.

Submission:

Dasa
Classification: Uncertain significance for Hereditary sensory and autonomic neuropathy type 7. Last evaluated: 2025-09-22. Review status: criteria provided, single submitter. Criteria: DASA Assertion Criteria. Collection method: clinical testing. Allele origin: germline.
Comment: NM_001349253.2(SCN11A):c.4265A>C (p.Gln1422Pro) is a missense variant that results in the substitution of glutamine with proline. This variant is rare in population databases. Computational prediction algorithms are consistent with a deleterious effect. The currently available literature and clinical evidence are not sufficient to establish a definitive association between this variant and the reported condition. Therefore, this variant is classified as a variant of uncertain significance.

NM_001349253.2(SCN11A):c.4265A>C (p.Gln1422Pro)

Gene: SCN11A (sodium voltage-gated channel alpha subunit 11; minus strand). Cytogenetic location: 3p22.2.
Variant type: single nucleotide variant.
Coding change: c.4265A>C on transcript NM_001349253.2 (MANE Select); coding-DNA position 4265, A replaced by C.
Protein change: p.Gln1422Pro; replaces glutamine 1422 with proline.
Molecular consequence: missense variant.
Genome position (GRCh38, 1-based): chr3:38,850,543, T>G on the plus strand (A>C on the coding strand, the complement: SCN11A is on the minus strand). VCF-style: chr3-38850543-T-G. GRCh37 (hg19) VCF-style: chr3-38892034-T-G.
Other names: c.4265A>C, p.Gln1422Pro (NM_014139.3); short protein forms Q1422P.
Identifiers: ClinVar variation 4882190 (VCV004882190.2).
Genomic context (GRCh38, chr3:38,850,543, plus strand): 5'-ACAATGGAAAGAAGCACGACCACACAGTCAAATAAATTCCAGCCATTGGTGAAGTAGTAT[T>G]GCCTCAAAGCAAAGATTTTGATGAGACATTCTAACGTAAAGATGACCACAAAGACCCAGT-3'
Protein context (NP_001336182.1, residues 1412-1432): ECLIKIFALR[Gln1422Pro]YYFTNGWNLF